The following is an entry in ClinVar:

ClinVar aggregate classification (germline): Conflicting classifications of pathogenicity. Review status: criteria provided, conflicting classifications (1 of 4 stars). 4 submissions from 4 submitters: Uncertain significance (1); Likely benign (3). Last evaluated 2025-06-06.

Conditions:
Fanconi anemia (FA). Also called: Fanconi's anemia. Identifiers: Orphanet 84, MedGen C0015625, MeSH D005199, MONDO:0019391.
Hereditary cancer-predisposing syndrome. Also called: Tumor predisposition; Hereditary neoplastic syndrome; Neoplastic Syndromes, Hereditary; Hereditary Cancer Syndrome. Identifiers: Orphanet 140162, MedGen C0027672, MeSH D009386, MONDO:0015356.

Submissions (4):

Quest Diagnostics Nichols Institute San Juan Capistrano
Classification: Uncertain significance. Last evaluated: 2025-06-06. Review status: criteria provided, single submitter. Criteria: Quest Diagnostics criteria. Collection method: clinical testing. Allele origin: unknown.
Comment: The FANCC c.1527C>T (p.Ile509=) synonymous variant has not been reported in individuals with FANCC-related conditions in the published literature. It also has not been reported in large, multi-ethnic general populations (Genome Aggregation Database). Analysis of this variant using software algorithms for the prediction of the effect of nucleotide changes on splicing yielded predictions that this variant does not affect FANCC mRNA splicing. Based on the available information, we are unable to determine the clinical significance of this variant.

Ambry Genetics
Classification: Likely benign for Hereditary cancer-predisposing syndrome. Last evaluated: 2023-12-04. Review status: criteria provided, single submitter. Criteria: Ambry Variant Classification Scheme 2023. Collection method: clinical testing. Allele origin: germline.

Labcorp Genetics (formerly Invitae), Labcorp
Classification: Likely benign for Fanconi anemia. Last evaluated: 2020-06-27. Review status: criteria provided, single submitter. Criteria: Invitae Variant Classification Sherloc (09022015). Collection method: clinical testing. Allele origin: germline.

GeneDx
Classification: Likely benign. Last evaluated: 2017-02-14. Review status: criteria provided, single submitter. Criteria: GeneDx Variant Classification (06012015). Collection method: clinical testing. Allele origin: germline. Affected: yes.
Comment: This variant is considered likely benign or benign based on one or more of the following criteria: it is a conservative change, it occurs at a poorly conserved position in the protein, it is predicted to be benign by multiple in silico algorithms, and/or has population frequency not consistent with disease.

NM_000136.3(FANCC):c.1527C>T (p.Ile509=)

Genes: AOPEP (aminopeptidase O (putative); plus strand), FANCC (FA complementation group C; minus strand). Cytogenetic location: 9q22.32.
Variant type: single nucleotide variant.
Coding change: c.1527C>T on transcript NM_000136.3 (MANE Select); coding-DNA position 1527, C replaced by T.
Protein change: p.Ile509=; no amino-acid change (isoleucine 509 retained).
Molecular consequence: synonymous variant.
Genome position (GRCh38, 1-based): chr9:95,107,072, G>A on the plus strand (C>T on the coding strand, the complement: FANCC is on the minus strand). VCF-style: chr9-95107072-G-A. GRCh37 (hg19) VCF-style: chr9-97869354-G-A.
Other names: c.1527C>T, p.Ile509= (NM_001243743.2).
Identifiers: ClinVar variation 517765 (VCV000517765.13), dbSNP rs1554828322, ClinGen allele CA466092247.
Genomic context (GRCh38, chr9:95,107,072, plus strand): 5'-CTCTCGCCTGGAGCAGAAATGAGTACTAGGATGCTGGACCACAGGGAGACTTACCAGGGT[G>A]ATGACATCCCAGGCGATCGTGTGGCCTCCAGGAGCCCAGAGCAGGAAGTTGAGGAGAAGG-3'
Protein context (NP_000127.2, residues 499-519): PGGHTIAWDV[Ile509=]TLMAHTAEIT